The following is an entry in ClinVar:

ClinVar aggregate classification (germline): Uncertain significance (1 of 4 stars; one submission).

Allele frequency attached by ClinVar (database versions not stated): TOPMed below 0.00001.

Submission:

GeneDx
Classification: Uncertain significance. Last evaluated: 2023-01-04. Review status: criteria provided, single submitter. Criteria: GeneDx Variant Classification Process June 2021. Collection method: clinical testing. Allele origin: germline. Affected: yes.
Comment: Not observed at significant frequency in large population cohorts (gnomAD); In silico analysis supports that this missense variant does not alter protein structure/function; Has not been previously published as pathogenic or benign to our knowledge

NM_001258392.3(CLPB):c.338T>G (p.Leu113Arg)

Gene: CLPB (ClpB family mitochondrial disaggregase; minus strand). Cytogenetic location: 11q13.4.
Variant type: single nucleotide variant.
Coding change: c.338T>G on transcript NM_001258392.3 (MANE Select); coding-DNA position 338, T replaced by G.
Protein change: p.Leu113Arg; replaces leucine 113 with arginine.
Molecular consequence: missense variant. On other transcripts: synonymous variant (1).
Genome position (GRCh38, 1-based): chr11:72,434,137, A>C on the plus strand (T>G on the coding strand, the complement: CLPB is on the minus strand). VCF-style: chr11-72434137-A-C. GRCh37 (hg19) VCF-style: chr11-72145181-A-C.
Other names: c.338T>G, p.Leu113Arg (NM_001258393.3, NM_030813.6); c.96T>G, p.Thr32= (NM_001258394.3); short protein forms L113R.
Identifiers: ClinVar variation 2571840 (VCV002571840.1), dbSNP rs1856635268, ClinGen allele CA381962916.